The following is an entry in ClinVar:

ClinVar aggregate classification (germline): Uncertain significance (1 of 4 stars; one submission).

Conditions:
Catecholaminergic polymorphic ventricular tachycardia (CVPT). Also called: Catecholamine-induced polymorphic ventricular tachycardia. Identifiers: Orphanet 3286, MedGen C5574922, MONDO:0017990.

gnomAD v4.1: 15 of 1,608,954 alleles (0.00093%); highest among the groups gnomAD compares: Middle Eastern, 0.016%; no homozygotes.

Submission:

All of Us Research Program, National Institutes of Health
Classification: Uncertain significance for Catecholaminergic polymorphic ventricular tachycardia. Last evaluated: 2024-03-05. Review status: criteria provided, single submitter. Criteria: ACMG Guidelines, 2015. Collection method: clinical testing. Allele origin: germline. Inheritance: Autosomal dominant inheritance. Observed: 1 variant allele, 1 heterozygote.
Comment: This study involves interpretation of variants in research participants for the purpose of population health screening. Participant phenotype was not available at the time of variant classification. Additional details can be found in publication PMID: 35346344, PMCID: PMC8962531

NM_001035.3(RYR2):c.9317C>T (p.Ser3106Phe)

Gene: RYR2 (ryanodine receptor 2; plus strand). Cytogenetic location: 1q43.
Variant type: single nucleotide variant.
Coding change: c.9317C>T on transcript NM_001035.3 (MANE Select); coding-DNA position 9317, C replaced by T.
Protein change: p.Ser3106Phe; replaces serine 3106 with phenylalanine.
Molecular consequence: missense variant.
Genome position (GRCh38, 1-based): chr1:237,700,417, C>T. VCF-style: chr1-237700417-C-T. GRCh37 (hg19) VCF-style: chr1-237863717-C-T.
Other names: short protein forms S3106F.
Identifiers: ClinVar variation 3385814 (VCV003385814.1).